The following is an entry in ClinVar:

NM_001379291.1(BRD4):c.2866C>A (p.Pro956Thr)

Gene: BRD4 (bromodomain containing 4; minus strand). Cytogenetic location: 19p13.12.
Variant type: single nucleotide variant.
Coding change: c.2866C>A on transcript NM_001379291.1 (MANE Select); coding-DNA position 2866, C replaced by A.
Protein change: p.Pro956Thr; replaces proline 956 with threonine.
Molecular consequence: missense variant.
Genome position (GRCh38, 1-based): chr19:15,243,203, G>T on the plus strand (C>A on the coding strand, the complement: BRD4 is on the minus strand). VCF-style: chr19-15243203-G-T. GRCh37 (hg19) VCF-style: chr19-15354014-G-T.
Other names: c.2866C>A, p.Pro956Thr (NM_058243.3); short protein forms P956T.
Identifiers: ClinVar variation 2798651 (VCV002798651.3), dbSNP rs1175491600, ClinGen allele CA404504429.

ClinVar aggregate classification (germline): Uncertain significance (1 of 4 stars; one submission).

Submission:

Labcorp Genetics (formerly Invitae), Labcorp
Classification: Uncertain significance. Last evaluated: 2025-05-19. Review status: criteria provided, single submitter. Criteria: Invitae Variant Classification Sherloc (09022015). Collection method: clinical testing. Allele origin: germline.
Comment: This sequence change replaces proline, which is neutral and non-polar, with threonine, which is neutral and polar, at codon 956 of the BRD4 protein (p.Pro956Thr). This variant is not present in population databases (gnomAD no frequency). This variant has not been reported in the literature in individuals affected with BRD4-related conditions. ClinVar contains an entry for this variant (Variation ID: 2798651). An algorithm developed to predict the effect of missense changes on protein structure and function (PolyPhen-2) suggests that this variant is likely to be disruptive. In summary, the available evidence is currently insufficient to determine the role of this variant in disease. Therefore, it has been classified as a Variant of Uncertain Significance.